The following is an entry in ClinVar:

ClinVar aggregate classification (germline): Uncertain significance (1 of 4 stars; one submission).

Submission:

GeneDx
Classification: Uncertain significance. Last evaluated: 2024-10-22. Review status: criteria provided, single submitter. Criteria: GeneDx Variant Classification Process June 2021. Collection method: clinical testing. Allele origin: germline. Affected: yes.
Comment: Not observed at significant frequency in large population cohorts (gnomAD); In silico analysis supports that this missense variant has a deleterious effect on protein structure/function; Has not been previously published as pathogenic or benign to our knowledge

NM_000829.4(GRIA4):c.1813G>A (p.Ala605Thr)

Gene: GRIA4 (glutamate ionotropic receptor AMPA type subunit 4; plus strand). Cytogenetic location: 11q22.3.
Variant type: single nucleotide variant.
Coding change: c.1813G>A on transcript NM_000829.4 (MANE Select); coding-DNA position 1813, G replaced by A.
Protein change: p.Ala605Thr; replaces alanine 605 with threonine.
Molecular consequence: missense variant. On other transcripts: non-coding transcript variant (1).
Genome position (GRCh38, 1-based): chr11:105,924,735, G>A. VCF-style: chr11-105924735-G-A. GRCh37 (hg19) VCF-style: chr11-105795461-G-A.
Other names: c.1813G>A, p.Ala605Thr (NM_001077243.3); short protein forms A605T.
Identifiers: ClinVar variation 3893501 (VCV003893501.1).